The following is an entry in ClinVar:

NM_023008.5(KRI1):c.1455C>T (p.Ala485=)

Gene: KRI1 (KRI1 homolog; minus strand). Cytogenetic location: 19p13.2.
Variant type: single nucleotide variant.
Coding change: c.1455C>T on transcript NM_023008.5 (MANE Select); coding-DNA position 1455, C replaced by T.
Protein change: p.Ala485=; no amino-acid change (alanine 485 retained).
Molecular consequence: synonymous variant.
Genome position (GRCh38, 1-based): chr19:10,557,800, G>A on the plus strand (C>T on the coding strand, the complement: KRI1 is on the minus strand). VCF-style: chr19-10557800-G-A. GRCh37 (hg19) VCF-style: chr19-10668476-G-A.
Identifiers: ClinVar variation 3067315 (VCV003067315.21), dbSNP rs754716567, ClinGen allele CA9196793.

ClinVar aggregate classification (germline): Likely benign (1 of 4 stars; one submission).

Allele frequency attached by ClinVar (database versions not stated): gnomAD 0.00001; TOPMed 0.00001; ExAC 0.00003.

Submission:

CeGaT Center for Human Genetics Tuebingen
Classification: Likely benign. Last evaluated: 2024-03-01. Review status: criteria provided, single submitter. Criteria: CeGaT Center For Human Genetics Tuebingen Variant Classification Criteria Version 2. Collection method: clinical testing. Allele origin: germline. Affected: yes. Observed: 1 variant allele.
Comment: KRI1: BP4, BP7